The following is an entry in ClinVar:

NM_001127511.3(APC):c.166-28929A>T

Gene: APC (APC regulator of Wnt signaling pathway; plus strand). Cytogenetic location: 5q22.2.
Variant type: single nucleotide variant.
Coding change: c.166-28929A>T on transcript NM_001127511.3; 28929 bases into the intron before coding-DNA position 166, A replaced by T.
Molecular consequence: intron variant.
Genome position (GRCh38, 1-based): chr5:112,737,397, A>T. VCF-style: chr5-112737397-A-T. GRCh37 (hg19) VCF-style: chr5-112073094-A-T.
Other names: c.-1053-17476A>T (NM_001407470.1, NM_001407472.1); c.-18-17476A>T (NM_001407447.1, NM_001354895.2, NM_001407456.1 and 7 more transcripts); c.166-28929A>T (NM_001407446.1, NM_001354897.2, NM_001354902.2); c.-42-28929A>T (NM_001407453.1).
Identifiers: ClinVar variation 82731 (VCV000082731.4), dbSNP rs77854131, ClinGen allele CA023900.

ClinVar aggregate classification (germline): other (0 of 4 stars; one submission).

Conditions:
Familial colorectal cancer. Identifiers: MedGen CN280943, MONDO:0023113. Disease mechanism: loss of function.

Submission:

Systems Biology Platform Zhejiang California International NanoSystems Institute
Classification: other for Familial colorectal cancer. Review status: no assertion criteria provided. Collection method: not provided. Allele origin: unknown.
ClinVar note: Converted during submission from cancer to other.